The following is an entry in ClinVar:

NM_001029883.3(PCARE):c.2420C>G (p.Pro807Arg)

Gene: PCARE (photoreceptor cilium actin regulator; minus strand). Cytogenetic location: 2p23.2.
Variant type: single nucleotide variant.
Coding change: c.2420C>G on transcript NM_001029883.3 (MANE Select); coding-DNA position 2420, C replaced by G.
Protein change: p.Pro807Arg; replaces proline 807 with arginine.
Molecular consequence: missense variant.
Genome position (GRCh38, 1-based): chr2:29,071,842, G>C on the plus strand (C>G on the coding strand, the complement: PCARE is on the minus strand). VCF-style: chr2-29071842-G-C. GRCh37 (hg19) VCF-style: chr2-29294708-G-C.
Other names: short protein forms P807R.
Identifiers: ClinVar variation 1060022 (VCV001060022.6), dbSNP rs760160585, ClinGen allele CA1592209.

ClinVar aggregate classification (germline): Uncertain significance. Review status: criteria provided, multiple submitters, no conflicts (2 of 4 stars). 2 submissions from 2 submitters: Uncertain significance (2). Last evaluated 2023-12-11.

Allele frequency attached by ClinVar (database versions not stated): gnomAD 0.00002; TOPMed 0.00003; gnomAD exomes 0.00004 and 0.00009; ExAC 0.00007.
gnomAD v4.1: 28 of 1,614,118 alleles (0.0017%); highest among the groups gnomAD compares: Admixed American, 0.047%; no homozygotes.

Submissions (2):

Labcorp Genetics (formerly Invitae), Labcorp
Classification: Uncertain significance. Last evaluated: 2023-12-11. Review status: criteria provided, single submitter. Criteria: Invitae Variant Classification Sherloc (09022015). Collection method: clinical testing. Allele origin: germline.
Comment: This sequence change replaces proline, which is neutral and non-polar, with arginine, which is basic and polar, at codon 807 of the PCARE protein (p.Pro807Arg). This variant is present in population databases (rs760160585, gnomAD 0.07%). This variant has not been reported in the literature in individuals affected with PCARE-related conditions. ClinVar contains an entry for this variant (Variation ID: 1060022). Algorithms developed to predict the effect of missense changes on protein structure and function output the following: SIFT: "Not Available"; PolyPhen-2: "Probably Damaging"; Align-GVGD: "Not Available". The arginine amino acid residue is found in multiple mammalian species, which suggests that this missense change does not adversely affect protein function. In summary, the available evidence is currently insufficient to determine the role of this variant in disease. Therefore, it has been classified as a Variant of Uncertain Significance.

Blueprint Genetics
Classification: Uncertain significance. Last evaluated: 2019-07-22. Review status: criteria provided, single submitter. Criteria: ACMG Guidelines, 2015. Collection method: clinical testing. Allele origin: germline.